The following is an entry in ClinVar:

ClinVar aggregate classification (germline): Uncertain significance (1 of 4 stars; one submission).

Conditions:
Familial hypocalciuric hypercalcemia (FHH). Also called: Familial benign hypercalcemia. Identifiers: Orphanet 405, MedGen C1809471, MONDO:0018458.
Autosomal dominant hypocalcemia 1 (HYPOC1). Also called: HYPOCALCEMIA, FAMILIAL. Identifiers: MedGen C3715128, MONDO:0011013, OMIM 601198.

Submission:

Labcorp Genetics (formerly Invitae), Labcorp
Classification: Uncertain significance for Familial hypocalciuric hypercalcemia; Autosomal dominant hypocalcemia 1. Last evaluated: 2021-12-05. Review status: criteria provided, single submitter. Criteria: Invitae Variant Classification Sherloc (09022015). Collection method: clinical testing. Allele origin: germline.
Comment: This sequence change replaces aspartic acid, which is acidic and polar, with glycine, which is neutral and non-polar, at codon 578 of the CASR protein (p.Asp578Gly). This variant is not present in population databases (gnomAD no frequency). This variant has not been reported in the literature in individuals affected with CASR-related conditions. Algorithms developed to predict the effect of missense changes on protein structure and function are either unavailable or do not agree on the potential impact of this missense change (SIFT: "Deleterious"; PolyPhen-2: "Benign"; Align-GVGD: "Class C65"). Algorithms developed to predict the effect of sequence changes on RNA splicing suggest that this variant may create or strengthen a splice site. In summary, the available evidence is currently insufficient to determine the role of this variant in disease. Therefore, it has been classified as a Variant of Uncertain Significance.

NM_000388.4(CASR):c.1733A>G (p.Asp578Gly)

Gene: CASR (calcium sensing receptor; plus strand). Cytogenetic location: 3q21.1.
Variant type: single nucleotide variant.
Coding change: c.1733A>G on transcript NM_000388.4 (MANE Select); coding-DNA position 1733, A replaced by G.
Protein change: p.Asp578Gly; replaces aspartic acid 578 with glycine.
Molecular consequence: missense variant.
Genome position (GRCh38, 1-based): chr3:122,283,687, A>G. VCF-style: chr3-122283687-A-G. GRCh37 (hg19) VCF-style: chr3-122002534-A-G.
Other names: c.1763A>G, p.Asp588Gly (NM_001178065.2); short protein forms D578G, D588G.
Identifiers: ClinVar variation 1464763 (VCV001464763.6), dbSNP rs2107649336, ClinGen allele CA354157059.
Genomic context (GRCh38, chr3:122,283,687, plus strand): 5'-CACTCACACATTTTAGTCTGTGCCACACAATAACTCACTCTTCACTGGGACATTTTACAG[A>G]TGCCAGTGCCTGTAACAAGTGCCCAGATGACTTCTGGTCCAATGAGAACCACACCTCCTG-3'
Protein context (NP_000379.3, residues 568-588): CPDGEYSDET[Asp578Gly]ASACNKCPDD